The following is an entry in ClinVar:

ClinVar aggregate classification (germline): Conflicting classifications of pathogenicity. Review status: criteria provided, conflicting classifications (1 of 4 stars). 2 submissions from 2 submitters: Uncertain significance (1); Likely benign (1). Last evaluated 2025-06-24.

Conditions:
Inborn genetic diseases. Identifiers: MedGen C0950123, MeSH D030342.
Frasier syndrome. Identifiers: Orphanet 347, MedGen C0950122, MeSH D052159, MONDO:0007635, OMIM 136680.
Wilms tumor 1 (WT1). Also called: Wilms tumor, somatic. Identifiers: Orphanet 654, MedGen CN033288, MONDO:0008679, OMIM 194070.
11p partial monosomy syndrome (WAGR). Also called: WAGR Spectrum Disorder; WAGR syndrome; CHROMOSOME 11p13 DELETION SYNDROME; WAGR Complex. Identifiers: Orphanet 893, MedGen C0206115, MONDO:0008681, OMIM 194072.
Drash syndrome (DDS). Also called: WILMS TUMOR AND PSEUDO- OR TRUE HERMAPHRODITISM; NEPHROPATHY, WILMS TUMOR, AND GENITAL ANOMALIES. Identifiers: Orphanet 220, MedGen C0950121, MONDO:0008682, OMIM 194080.

Submissions (2):

Ambry Genetics
Classification: Uncertain significance for Inborn genetic diseases. Last evaluated: 2025-06-24. Review status: criteria provided, single submitter. Criteria: Ambry Variant Classification Scheme 2023. Collection method: clinical testing. Allele origin: germline.
Comment: The c.1340-6_1340-5delAT intronic variant begins 5 nucleotides before coding exon 9 in the WT1 gene. This variant results from a deletion of 2 nucleotides at positions c.1340-6 to c.1340-5. This nucleotide region is not well conserved in available vertebrate species. In silico splice site analysis predicts that this alteration will not have any significant effect on splicing. Based on the available evidence, the clinical significance of this variant remains unclear.

Labcorp Genetics (formerly Invitae), Labcorp
Classification: Likely benign for Wilms tumor 1; Drash syndrome; 11p partial monosomy syndrome; Frasier syndrome. Last evaluated: 2022-09-26. Review status: criteria provided, single submitter. Criteria: Invitae Variant Classification Sherloc (09022015). Collection method: clinical testing. Allele origin: germline.

NM_024426.6(WT1):c.1355-6_1355-5del

Gene: WT1 (WT1 transcription factor; minus strand). Cytogenetic location: 11p13.
Variant type: Deletion.
Coding change: c.1355-6_1355-5del on transcript NM_024426.6 (MANE Select); 6 bases into the intron before coding-DNA position 1355 through 5 bases into the intron before coding-DNA position 1355, 2 bases deleted (AT; older notation c.1355-6_1355-5delAT).
Molecular consequence: intron variant.
Genome position (GRCh38, 1-based): chr11:32,392,069-32,392,070, AT deleted on the plus strand (AT on the coding strand, the reverse complement: WT1 is on the minus strand). VCF-style (leftmost placement, unchanged base first): chr11-32392068-AAT-A. GRCh37 (hg19) VCF-style: chr11-32413614-AAT-A.
Other names: c.1232-6_1232-5del (NM_001407047.1); c.1214-6_1214-5del (NM_001407048.1); c.1303+596_1303+597del (NM_001407049.1); c.1304-6_1304-5del (NM_000378.6, NM_001407045.1); c.1349-6_1349-5del (NM_001407044.1); c.1354+596_1354+597del (NM_001407046.1); c.1355-6_1355-5del (NM_024424.5); c.593-6_593-5del (NM_001407051.1); and 5 more.
Identifiers: ClinVar variation 2159980 (VCV002159980.5), dbSNP rs2494732943, ClinGen allele CA2580084087.